The following is an entry in ClinVar:

NM_014795.4(ZEB2):c.637_640dup (p.Pro214fs)

Gene: ZEB2 (zinc finger E-box binding homeobox 2; minus strand). Cytogenetic location: 2q22.3.
Variant type: Duplication.
Coding change: c.637_640dup on transcript NM_014795.4 (MANE Select); coding-DNA positions 637 to 640, 4 bases duplicated (TGCC; older notation c.637_640dupTGCC).
Protein change: p.Pro214fs; shifts the reading frame from proline 214.
Molecular consequence: frameshift variant.
Genome position (GRCh38, 1-based): chr2:144,404,083-144,404,086, GGCA duplicated on the plus strand (TGCC on the coding strand, the reverse complement: ZEB2 is on the minus strand); duplicating any 4 consecutive bases within chr2:144,404,083-144,404,088 gives the same sequence; the c. name uses the placement nearest the transcript's 3' end. VCF-style (leftmost placement, unchanged base first): chr2-144404082-G-GGGCA. GRCh37 (hg19) VCF-style: chr2-145161649-G-GGGCA.
Other names: c.565_568dup, p.Pro190fs (NM_001171653.2); short protein forms P190fs, P214fs.
Identifiers: ClinVar variation 1753118 (VCV001753118.2), dbSNP rs2549109403, ClinGen allele CA2580063952.

ClinVar aggregate classification (germline): Pathogenic (1 of 4 stars; one submission).

Conditions:
Inborn genetic diseases. Identifiers: MedGen C0950123, MeSH D030342.

Submission:

Ambry Genetics
Classification: Pathogenic for Inborn genetic diseases. Last evaluated: 2017-12-18. Review status: criteria provided, single submitter. Criteria: Ambry Variant Classification Scheme 2023. Collection method: clinical testing. Allele origin: germline.
Comment: The c.637_640dupTGCC pathogenic mutation, located in coding exon 5 of the ZEB2 gene, results from a duplication of TGCC at nucleotide position 637, causing a translational frameshift with a predicted alternate stop codon (p.P214Lfs*26). In one study, a different alteration resulting in the same protein truncation, c.635_638dupCCTG, was detected in an individual with intellectual disability, a characteristic Mowat-Wilson syndrome facial appearance, ventricular septal defect (VSD), seizures, Hirschsprung disease, and babbling (Yamada Y et al. Am. J. Med. Genet. A, 2014 Aug;164A:1899-908). In addition to the clinical data presented in the literature, this alteration is expected to result in loss of function by premature protein truncation or nonsense-mediated mRNA decay. As such, this alteration is interpreted as a disease-causing mutation.

Literature cited by the submitters: PubMed 24715670.